The following is an entry in ClinVar:

NM_005422.4(TECTA):c.199G>C (p.Val67Leu)

Genes: TBCEL-TECTA (TBCEL-TECTA readthrough; plus strand), TECTA (tectorin alpha; plus strand). Cytogenetic location: 11q23.3.
Variant type: single nucleotide variant.
Coding change: c.199G>C on transcript NM_005422.4 (MANE Select); coding-DNA position 199, G replaced by C.
Protein change: p.Val67Leu; replaces valine 67 with leucine.
Molecular consequence: missense variant.
Genome position (GRCh38, 1-based): chr11:121,109,211, G>C. VCF-style: chr11-121109211-G-C. GRCh37 (hg19) VCF-style: chr11-120979920-G-C.
Other names: c.1156G>C, p.Val386Leu (NM_001378761.1); short protein forms V386L, V67L.
Identifiers: ClinVar variation 2716911 (VCV002716911.3), dbSNP rs1946420757, ClinGen allele CA383020407.

ClinVar aggregate classification (germline): Uncertain significance (1 of 4 stars; one submission).

Submission:

Labcorp Genetics (formerly Invitae), Labcorp
Classification: Uncertain significance. Last evaluated: 2023-06-15. Review status: criteria provided, single submitter. Criteria: Invitae Variant Classification Sherloc (09022015). Collection method: clinical testing. Allele origin: germline.
Comment: This variant is not present in population databases (gnomAD no frequency). This sequence change replaces valine, which is neutral and non-polar, with leucine, which is neutral and non-polar, at codon 67 of the TECTA protein (p.Val67Leu). In summary, the available evidence is currently insufficient to determine the role of this variant in disease. Therefore, it has been classified as a Variant of Uncertain Significance. Algorithms developed to predict the effect of sequence changes on RNA splicing suggest that this variant may disrupt the consensus splice site. An algorithm developed to predict the effect of missense changes on protein structure and function (PolyPhen-2) suggests that this variant is likely to be tolerated. This variant has not been reported in the literature in individuals affected with TECTA-related conditions.